The following is an entry in ClinVar:

ClinVar aggregate classification (germline): Uncertain significance (1 of 4 stars; one submission).

Allele frequency attached by ClinVar (database versions not stated): TOPMed 0.00001; ESP Exome Variant Server 0.00008.
gnomAD v4.1: 41 of 1,612,072 alleles (0.0025%); highest among the groups gnomAD compares: Non-Finnish European, 0.0026%; no homozygotes.

Submission:

Labcorp Genetics (formerly Invitae), Labcorp
Classification: Uncertain significance. Last evaluated: 2021-08-14. Review status: criteria provided, single submitter. Criteria: Invitae Variant Classification Sherloc (09022015). Collection method: clinical testing. Allele origin: germline.
Comment: This sequence change replaces threonine with lysine at codon 959 of the MCM3AP protein (p.Thr959Lys). The threonine residue is moderately conserved and there is a moderate physicochemical difference between threonine and lysine. This variant is present in population databases (rs370633178, ExAC 0.009%). This variant has not been reported in the literature in individuals affected with MCM3AP-related conditions. Algorithms developed to predict the effect of missense changes on protein structure and function output the following: SIFT: "Deleterious"; PolyPhen-2: "Benign"; Align-GVGD: "Class C0". The lysine amino acid residue is found in multiple mammalian species, which suggests that this missense change does not adversely affect protein function. In summary, the available evidence is currently insufficient to determine the role of this variant in disease. Therefore, it has been classified as a Variant of Uncertain Significance.

NM_003906.5(MCM3AP):c.2876C>A (p.Thr959Lys)

Gene: MCM3AP (minichromosome maintenance complex component 3 associated protein; minus strand). Cytogenetic location: 21q22.3.
Variant type: single nucleotide variant.
Coding change: c.2876C>A on transcript NM_003906.5 (MANE Select); coding-DNA position 2876, C replaced by A.
Protein change: p.Thr959Lys; replaces threonine 959 with lysine.
Molecular consequence: missense variant.
Genome position (GRCh38, 1-based): chr21:46,266,080, G>T on the plus strand (C>A on the coding strand, the complement: MCM3AP is on the minus strand). VCF-style: chr21-46266080-G-T. GRCh37 (hg19) VCF-style: chr21-47685994-G-T.
Other names: short protein forms T959K.
Identifiers: ClinVar variation 1469834 (VCV001469834.5), dbSNP rs370633178, ClinGen allele CA10076702.
Genomic context (GRCh38, chr21:46,266,080, plus strand): 5'-GGGGTATGACGAGGGACGGGGGGCAATGGCCCTCCGTTCACAATTTCCCCGACTGACACC[G>T]TCAGCTTCCTAGTAATAAACACCGACTTCCTGGTCTTGGATAATCCCTCTGGTTCCAGGA-3'
Protein context (NP_003897.2, residues 949-969): RKSVFITRKL[Thr959Lys]VSVGEIVNGG